The following is an entry in ClinVar:

NC_000023.10:g.(32867938_33038255)_(33038318_33229398)del

Gene: DMD (dystrophin; minus strand). Cytogenetic location: Xp21.1.
Variant type: Deletion.
Identifiers: ClinVar variation 1172858 (VCV001172858.1).

ClinVar aggregate classification (germline): Likely pathogenic (1 of 4 stars; one submission).

Conditions:
Neuromuscular disease caused by qualitative or quantitative defects of dystrophin. Also called: Qualitative or quantitative defects of dystrophin. Identifiers: Orphanet 207085, MedGen C5679787, MONDO:0016147.

Submission:

Women's Health and Genetics/Laboratory Corporation of America, LabCorp
Classification: Likely pathogenic for Neuromuscular disease caused by qualitative or quantitative defects of dystrophin. Last evaluated: 2021-06-10. Review status: criteria provided, single submitter. Criteria: LabCorp Variant Classification Summary - May 2015. Collection method: clinical testing. Allele origin: germline.
Comment: Variant summary: The variant identified by MLPA or other technology involves the deletion of exon 2 in the DMD gene. A presumed nomenclature of c.(31+1_32-1)_(93+1_94-1)del has been designated for the purposes of this classification. Although exact breakpoints of this deletion are not known, it is expected to result in a frameshift deletion change in the DMD gene, a known mechanism of disease. The variant was absent in 16120 control chromosomes (gnomAD, Structural Variants dataset). Analysis of patient derived muscle biopsy sample revealed the presence of a smaller molecular weight DMD protein, with the absence of exons 1 through 5, consistent with translation initiation within exon 6 (Wein_2014). Other truncating mutations in the most 5' exons of the DMD gene inducing alternative translation initiation within exon 6 have been described in the literature in multiple patients presenting with mild Becker muscular dystrophy phenotype (e.g. PMID 19793655, PMID 31754439). One clinical diagnostic laboratory has submitted clinical-significance assessments for this variant to ClinVar after 2014, and classified the variant as uncertain significance. Based on the variable phenotypic expressivity ranging from mildly asymptomatic to an early onset dystrophinapthy as summarized in the evidence outlined above, the variant was classified as likely pathogenic.

Literature cited by the submitters: PubMed 27593222; PubMed 31404137; PubMed 25108525.